The following is an entry in ClinVar:

ClinVar aggregate classification (germline): Uncertain significance (1 of 4 stars; one submission).

Conditions:
Cohen syndrome (COH1). Also called: Cutis verticis gyrata, retinitis pigmentosa, and sensorineural deafness; PEPPER SYNDROME. Identifiers: Orphanet 193, MedGen C0265223, MONDO:0008999, OMIM 216550.

gnomAD v4.1: 1 of 1,614,130 alleles (0.000062%); highest among the groups gnomAD compares: Non-Finnish European, 0.000085%; no homozygotes.

Submission:

Labcorp Genetics (formerly Invitae), Labcorp
Classification: Uncertain significance for Cohen syndrome. Last evaluated: 2022-08-10. Review status: criteria provided, single submitter. Criteria: Invitae Variant Classification Sherloc (09022015). Collection method: clinical testing. Allele origin: germline.
Comment: This sequence change replaces valine with leucine at codon 3354 of the VPS13B protein (p.Val3354Leu). The valine residue is weakly conserved and there is a small physicochemical difference between valine and leucine. This variant is not present in population databases (gnomAD no frequency). This variant has not been reported in the literature in individuals affected with VPS13B-related conditions. Algorithms developed to predict the effect of missense changes on protein structure and function are either unavailable or do not agree on the potential impact of this missense change (SIFT: "Not Available"; PolyPhen-2: "Benign"; Align-GVGD: "Not Available"). In summary, the available evidence is currently insufficient to determine the role of this variant in disease. Therefore, it has been classified as a Variant of Uncertain Significance.

NM_152564.5(VPS13B):c.9985G>C (p.Val3329Leu)

Gene: VPS13B (vacuolar protein sorting 13 homolog B; plus strand). Cytogenetic location: 8q22.2.
Variant type: single nucleotide variant.
Coding change: c.9985G>C on transcript NM_152564.5 (MANE Select); coding-DNA position 9985, G replaced by C.
Protein change: p.Val3329Leu; replaces valine 3329 with leucine.
Molecular consequence: missense variant.
Genome position (GRCh38, 1-based): chr8:99,848,818, G>C. VCF-style: chr8-99848818-G-C. GRCh37 (hg19) VCF-style: chr8-100861046-G-C.
Other names: c.10060G>C, p.Val3354Leu (NM_017890.5); short protein forms V3329L, V3354L.
Identifiers: ClinVar variation 2062057 (VCV002062057.1), dbSNP rs77308610, ClinGen allele CA371779558.